The following is an entry in ClinVar:

ClinVar aggregate classification (germline): Likely benign. Review status: reviewed by expert panel (3 of 4 stars). 6 submissions from 6 submitters: Likely benign (1). 5 of the submissions do not count toward it. Last evaluated 2024-01-04.

Conditions:
Inborn genetic diseases. Identifiers: MedGen C0950123, MeSH D030342.
Glanzmann thrombasthenia. Also called: THROMBASTHENIA OF GLANZMANN AND NAEGELI; Glanzmann's thrombasthenia; PLATELET GLYCOPROTEIN IIb-IIIa DEFICIENCY; Thrombasthenia. Identifiers: Orphanet 849, MedGen C0040015, MONDO:0100326.

Allele frequency attached by ClinVar (database versions not stated): gnomAD 0.00007 and 0.00008; gnomAD exomes 0.00010 and 0.00019; TOPMed 0.00011; ESP Exome Variant Server 0.00015; ExAC 0.00016.
gnomAD v4.1: 174 of 1,614,122 alleles (0.011%); highest among the groups gnomAD compares: Middle Eastern, 0.28%; 2 homozygotes.

Submissions (6):

ClinGen Platelet Disorders Variant Curation Expert Panel, ClinGen
Classification: Likely benign for Glanzmann thrombasthenia. Last evaluated: 2024-01-04. Review status: reviewed by expert panel. Criteria: ClinGen Platelet ACMG Specifications v2-1. Collection method: curation. Allele origin: germline. Inheritance: Autosomal recessive inheritance.
Comment: NM_000212.3(ITGB3):c.180C>T (p.Gly60=) synonymous variant was observed by Illumina as part of a predisposition screen in an ostensibly healthy population and has been reported in the literature in a blood donor cohort (PMID: 32110192) but has not been reported in a Glanzmann thrombasthenia patient. It is not predicted to have an impact on splicing (BP4) and is not highly conserved (phyloP score -0.693504; BP7). The highest population minor allele frequency in gnomAD v4.0.0 is 0.002794 (17/6084 alleles) in the Middle Eastern population, which is higher than the ClinGen PD VCEP BS1 threshold (>0.00158). In summary this variant meets criteria to be classified as likely benign. GT-specific criteria applied: BS1, BP4 and BP7.

Ambry Genetics
Classification: Likely benign for Inborn genetic diseases. Last evaluated: 2026-08-23. Review status: criteria provided, single submitter. Criteria: Ambry Variant Classification Scheme 2023. Collection method: clinical testing. Allele origin: germline. Not counted in ClinVar's aggregate classification.

Labcorp Genetics (formerly Invitae), Labcorp
Classification: Likely benign. Last evaluated: 2025-11-05. Review status: criteria provided, single submitter. Criteria: Invitae Variant Classification Sherloc (09022015). Collection method: clinical testing. Allele origin: germline. Not counted in ClinVar's aggregate classification.

Blueprint Genetics
Classification: Likely benign. Last evaluated: 2024-11-01. Review status: criteria provided, single submitter. Criteria: ACMG Guidelines, 2015. Collection method: clinical testing. Allele origin: germline. Not counted in ClinVar's aggregate classification.

Women's Health and Genetics/Laboratory Corporation of America, LabCorp
Classification: Likely benign. Last evaluated: 2024-02-06. Review status: criteria provided, single submitter. Criteria: LabCorp Variant Classification Summary - May 2015. Collection method: clinical testing. Allele origin: germline. Not counted in ClinVar's aggregate classification.

Illumina Laboratory Services, Illumina
Classification: Uncertain significance for Glanzmann thrombasthenia 1. Last evaluated: 2018-01-12. Review status: criteria provided, single submitter. Criteria: ICSL Variant Classification Criteria 13 December 2019. Collection method: clinical testing. Allele origin: germline. Not counted in ClinVar's aggregate classification.

NM_000212.3(ITGB3):c.180C>T (p.Gly60=)

Gene: ITGB3 (integrin subunit beta 3; plus strand). Cytogenetic location: 17q21.32.
Variant type: single nucleotide variant.
Coding change: c.180C>T on transcript NM_000212.3 (MANE Select); coding-DNA position 180, C replaced by T.
Protein change: p.Gly60=; no amino-acid change (glycine 60 retained).
Molecular consequence: synonymous variant.
Genome position (GRCh38, 1-based): chr17:47,283,368, C>T. VCF-style: chr17-47283368-C-T. GRCh37 (hg19) VCF-style: chr17-45360734-C-T.
Identifiers: ClinVar variation 697901 (VCV000697901.17), dbSNP rs373101628, ClinGen allele CA8622889.